The following is an entry in ClinVar:

ClinVar aggregate classification (germline): Uncertain significance. Review status: criteria provided, multiple submitters, no conflicts (2 of 4 stars). 3 submissions from 3 submitters: Uncertain significance (3). Last evaluated 2024-08-19.

Conditions:
Familial cold autoinflammatory syndrome 3 (FCAS3). Also called: FAMILIAL ATYPICAL COLD URTICARIA; ANTIBODY DEFICIENCY AND IMMUNE DYSREGULATION, PLCG2-ASSOCIATED. Identifiers: Orphanet 300359, MedGen C3280914, MONDO:0013766, OMIM 614468.
Inborn genetic diseases. Identifiers: MedGen C0950123, MeSH D030342.

Allele frequency attached by ClinVar (database versions not stated): gnomAD exomes below 0.00001.

Submissions (3):

Ambry Genetics
Classification: Uncertain significance for Inborn genetic diseases. Last evaluated: 2024-08-19. Review status: criteria provided, single submitter. Criteria: Ambry Variant Classification Scheme 2023. Collection method: clinical testing. Allele origin: germline.

Labcorp Genetics (formerly Invitae), Labcorp
Classification: Uncertain significance for Familial cold autoinflammatory syndrome 3. Last evaluated: 2023-04-25. Review status: criteria provided, single submitter. Criteria: Invitae Variant Classification Sherloc (09022015). Collection method: clinical testing. Allele origin: germline.
Comment: This sequence change replaces methionine, which is neutral and non-polar, with threonine, which is neutral and polar, at codon 1141 of the PLCG2 protein (p.Met1141Thr). This variant is present in population databases (no rsID available, gnomAD 0.003%). This variant has not been reported in the literature in individuals affected with PLCG2-related conditions. An algorithm developed to predict the effect of missense changes on protein structure and function (PolyPhen-2) suggests that this variant is likely to be tolerated. In summary, the available evidence is currently insufficient to determine the role of this variant in disease. Therefore, it has been classified as a Variant of Uncertain Significance.

Mayo Clinic Laboratories, Mayo Clinic
Classification: Uncertain significance. Last evaluated: 2022-04-13. Review status: criteria provided, single submitter. Criteria: ACMG Guidelines, 2015. Collection method: clinical testing. Allele origin: germline. Observed: 1 variant allele.

NM_002661.5(PLCG2):c.3422T>C (p.Met1141Thr)

Gene: PLCG2 (phospholipase C gamma 2; plus strand). Cytogenetic location: 16q23.3.
Variant type: single nucleotide variant.
Coding change: c.3422T>C on transcript NM_002661.5 (MANE Select); coding-DNA position 3422, T replaced by C.
Protein change: p.Met1141Thr; replaces methionine 1141 with threonine.
Molecular consequence: missense variant.
Genome position (GRCh38, 1-based): chr16:81,940,000, T>C. VCF-style: chr16-81940000-T-C. GRCh37 (hg19) VCF-style: chr16-81973605-T-C.
Other names: p.Met1141Thr; c.3422T>C, p.Met1141Thr (NM_001425749.1, NM_001425750.1, NM_001425751.1); short protein forms M1141T.
Identifiers: ClinVar variation 2683378 (VCV002683378.5), dbSNP rs958943394, ClinGen allele CA285195112.